The following is an entry in ClinVar:

ClinVar aggregate classification (germline): Uncertain significance (1 of 4 stars; one submission).

Conditions:
Propionic acidemia (PROP). Also called: GLYCINEMIA, KETOTIC; HYPERGLYCINEMIA WITH KETOACIDOSIS AND LEUKOPENIA; KETOTIC HYPERGLYCINEMIA. Identifiers: Orphanet 35, MedGen C0268579, MONDO:0011628, OMIM 606054, HP:0003571.

Allele frequency attached by ClinVar (database versions not stated): gnomAD exomes below 0.00001.
gnomAD v4.1: 1 of 1,613,752 alleles (0.000062%); highest among the groups gnomAD compares: Non-Finnish European, 0.000085%; no homozygotes.

Submission:

Labcorp Genetics (formerly Invitae), Labcorp
Classification: Uncertain significance for Propionic acidemia. Last evaluated: 2024-01-16. Review status: criteria provided, single submitter. Criteria: Invitae Variant Classification Sherloc (09022015). Collection method: clinical testing. Allele origin: germline.
Comment: This sequence change replaces serine, which is neutral and polar, with glycine, which is neutral and non-polar, at codon 132 of the PCCB protein (p.Ser132Gly). This variant is not present in population databases (gnomAD no frequency). This missense change has been observed in individual(s) with clinical features of propionic acidemia (Invitae). In at least one individual the data is consistent with being in trans (on the opposite chromosome) from a pathogenic variant. Advanced modeling of protein sequence and biophysical properties (such as structural, functional, and spatial information, amino acid conservation, physicochemical variation, residue mobility, and thermodynamic stability) has been performed at Invitae for this missense variant, however the output from this modeling did not meet the statistical confidence thresholds required to predict the impact of this variant on PCCB protein function. In summary, the available evidence is currently insufficient to determine the role of this variant in disease. Therefore, it has been classified as a Variant of Uncertain Significance.

NM_000532.5(PCCB):c.394A>G (p.Ser132Gly)

Gene: PCCB (propionyl-CoA carboxylase subunit beta; plus strand). Cytogenetic location: 3q22.3.
Variant type: single nucleotide variant.
Coding change: c.394A>G on transcript NM_000532.5 (MANE Select); coding-DNA position 394, A replaced by G.
Protein change: p.Ser132Gly; replaces serine 132 with glycine.
Molecular consequence: missense variant.
Genome position (GRCh38, 1-based): chr3:136,260,500, A>G. VCF-style: chr3-136260500-A-G. GRCh37 (hg19) VCF-style: chr3-135979342-A-G.
Other names: c.454A>G, p.Ser152Gly (NM_001178014.2); short protein forms S152G, S132G.
Identifiers: ClinVar variation 2989966 (VCV002989966.3), dbSNP rs2529760220, ClinGen allele CA354739308.
Genomic context (GRCh38, chr3:136,260,500, plus strand): 5'-TCACTATATTTGACTTGCTGATTTGTATTTTCTTTTTAGGATTTTACAGTTTTTGGAGGC[A>G]GTCTGTCAGGAGCACATGCCCAAAAGATCTGCAAAGTAAGTGTTTAATACTCAAATTCAA-3'
Protein context (NP_000523.2, residues 122-142): FSQDFTVFGG[Ser132Gly]LSGAHAQKIC